The following is an entry in ClinVar:

ClinVar aggregate classification (germline): Likely benign. Review status: criteria provided, multiple submitters, no conflicts (2 of 4 stars). 2 submissions from 2 submitters: Likely benign (2). Last evaluated 2026-06-01.

Allele frequency attached by ClinVar (database versions not stated): gnomAD 0.00467 and 0.00479; 1000 Genomes Project 30x 0.00141; 1000 Genomes Project 0.00160; TOPMed 0.00352.
gnomAD v4.1: 8,413 of 1,566,448 alleles (0.54%); highest among the groups gnomAD compares: Non-Finnish European, 0.62%; 33 homozygotes.

Submissions (2):

CeGaT Center for Human Genetics Tuebingen
Classification: Likely benign. Last evaluated: 2026-06-01. Review status: criteria provided, single submitter. Criteria: CeGaT Center For Human Genetics Tuebingen Variant Classification Criteria Version 2. Collection method: clinical testing. Allele origin: germline. Affected: yes. Observed: 1 variant allele.
Comment: DNAAF3: BS2

GeneDx
Classification: Likely benign. Last evaluated: 2018-07-09. Review status: criteria provided, single submitter. Criteria: GeneDx Variant Classification Process June 2021. Collection method: clinical testing. Allele origin: germline. Affected: yes.

NM_001256715.2(DNAAF3):c.913-64A>C

Genes: DNAAF3 (dynein axonemal assembly factor 3; minus strand), DNAAF3-AS1 (DNAAF3 antisense RNA 1; plus strand). Cytogenetic location: 19q13.42.
Variant type: single nucleotide variant.
Coding change: c.913-64A>C on transcript NM_001256715.2 (MANE Select); 64 bases into the intron before coding-DNA position 913, A replaced by C.
Molecular consequence: intron variant.
Genome position (GRCh38, 1-based): chr19:55,160,839, T>G on the plus strand (A>C on the coding strand, the complement: DNAAF3 is on the minus strand). VCF-style: chr19-55160839-T-G. GRCh37 (hg19) VCF-style: chr19-55672207-T-G.
Other names: c.1054-64A>C (NM_178837.4); c.1117-64A>C (NM_001256714.1); c.751-64A>C (NM_001256716.2).
Identifiers: ClinVar variation 1218014 (VCV001218014.5), dbSNP rs368878245, ClinGen allele CA310153252.